The following is an entry in ClinVar:

NM_001035.3(RYR2):c.5407A>T (p.Ser1803Cys)

Gene: RYR2 (ryanodine receptor 2; plus strand). Cytogenetic location: 1q43.
Variant type: single nucleotide variant.
Coding change: c.5407A>T on transcript NM_001035.3 (MANE Select); coding-DNA position 5407, A replaced by T.
Protein change: p.Ser1803Cys; replaces serine 1803 with cysteine.
Molecular consequence: missense variant.
Genome position (GRCh38, 1-based): chr1:237,614,535, A>T. VCF-style: chr1-237614535-A-T. GRCh37 (hg19) VCF-style: chr1-237777835-A-T.
Other names: short protein forms S1803C.
Identifiers: ClinVar variation 924892 (VCV000924892.5), dbSNP rs762716832, ClinGen allele CA086881.

ClinVar aggregate classification (germline): Uncertain significance (1 of 4 stars; one submission).

Conditions:
Cardiomyopathy (CMYO). Also called: Cardiomyopathies. Identifiers: Orphanet 167848, MedGen C0878544, MONDO:0004994, HP:0001638. Inheritance: Various modes of inheritance.

Allele frequency attached by ClinVar (database versions not stated): gnomAD exomes below 0.00001; ExAC 0.00001.
gnomAD v4.1: 1 of 1,614,052 alleles (0.000062%); highest among the groups gnomAD compares: Non-Finnish European, 0.000085%; no homozygotes.

Submission:

Color Diagnostics, LLC DBA Color Health
Classification: Uncertain significance for Cardiomyopathy. Last evaluated: 2023-12-04. Review status: criteria provided, single submitter. Criteria: ACMG Guidelines, 2015. Collection method: clinical testing. Allele origin: germline.
Comment: Variant of Uncertain Significance due to insufficient evidence: This missense variant is located in the cytoplasmic domain of the RYR2 protein. Computational prediction tools and conservation analyses are inconclusive regarding the impact of this variant on the protein function. Computational splicing tools suggest that this variant may not impact RNA splicing. To our knowledge, functional assays have not been performed for this variant nor has this variant been reported in individuals affected with cardiovascular disorders in the literature. This variant has been identified in 1/245828 chromosomes in the general population by the Genome Aggregation Database (gnomAD). Available evidence is insufficient to determine the pathogenicity of this variant conclusively.